The following is an entry in ClinVar:

NM_001754.5(RUNX1):c.98-4G>A

Gene: RUNX1 (RUNX family transcription factor 1; minus strand). Cytogenetic location: 21q22.12.
Variant type: single nucleotide variant.
Coding change: c.98-4G>A on transcript NM_001754.5 (MANE Select); 4 bases into the intron before coding-DNA position 98, G replaced by A.
Molecular consequence: intron variant. On other transcripts: missense variant (2).
Genome position (GRCh38, 1-based): chr21:34,887,100, C>T on the plus strand (G>A on the coding strand, the complement: RUNX1 is on the minus strand). VCF-style: chr21-34887100-C-T. GRCh37 (hg19) VCF-style: chr21-36259397-C-T.
Other names: c.13G>A, p.Val5Ile (NM_001001890.3, NM_001122607.2); c.98-4G>A (NM_001754.4); short protein forms V5I.
Identifiers: ClinVar variation 1077574 (VCV001077574.13), dbSNP rs1053814127, ClinGen allele CA320642989.
Genomic context (GRCh38, chr21:34,887,100, plus strand): 5'-TCTTGCCTGGGCTCAGCGCGGTGGAAGGCGGCGTGAAGCGGCGGCTCGTGCTGGCATCTA[C>T]GGGGATACGCATCACAACAAGCCGATTGAGTTAGGACCCTGCAAACAGCTCCTACCAGAC-3'

ClinVar aggregate classification (germline): Uncertain significance. Review status: reviewed by expert panel (3 of 4 stars). 5 submissions from 5 submitters: Uncertain significance (1). 4 of the submissions do not count toward it. Last evaluated 2024-07-17.

Conditions:
Hereditary thrombocytopenia and hematologic cancer predisposition syndrome. Identifiers: Orphanet 71290, MedGen CN281654, MONDO:0011071.
Inborn genetic diseases. Identifiers: MedGen C0950123, MeSH D030342.
Hereditary thrombocytopenia and hematological cancer predisposition syndrome associated with RUNX1. Also called: Familial Platelet Disorder with Propensity to Acute Myelogenous Leukemia; Familial thrombocytopenia with propensity to acute myelogenous leukemia; RUNX1 Familial Platelet Disorder with Associated Myeloid Malignancies; PLATELET DISORDER, ASPIRIN-LIKE. Identifiers: Orphanet 71290, MedGen C1832388, MeSH C563324, MONDO:0100083, OMIM 601399.
Acute myeloid leukemia (AML). Also called: Leukemia, acute myeloid, somatic; Leukemia, acute myelogenous, somatic; Acute myeloid leukemia, adult; AML adult; Acute non-lymphocytic leukemia; Acute granulocytic leukemia. Identifiers: Orphanet 519, MedGen C0023467, MeSH D015470, MONDO:0018874, OMIM 601626, HP:0004808. Disease mechanism: Constitutively activated FLT3.

Allele frequency attached by ClinVar (database versions not stated): gnomAD exomes below 0.00001; TOPMed below 0.00001; gnomAD 0.00001.
gnomAD v4.1: 3 of 1,597,888 alleles (0.00019%); highest among the groups gnomAD compares: Non-Finnish European, 0.00025%; no homozygotes.

Submissions (5):

ClinGen Myeloid Malignancy Variant Curation Expert Panel
Classification: Uncertain significance for Hereditary thrombocytopenia and hematologic cancer predisposition syndrome. Last evaluated: 2024-07-17. Review status: reviewed by expert panel. Criteria: ClinGen MyeloMalig ACMG Specifications v2. Collection method: curation. Allele origin: germline. Inheritance: Autosomal dominant inheritance.
Comment: The NM_001754.5(RUNX1):c.98-4G>A is an intronic variant which is completely absent from all population databases with at least 20x coverage for RUNX1 (PM2_supporting). It has not been reported in any individuals meeting at least one of the RUNX1-phenotypic criteria. This intronic variant has a SpliceAI score ≤ 0.20 (0.0) (BP4). In summary, this variant meets criteria to be classified as a variant of uncertain significance. ACMG/AMP criteria applied, as specified by the Myeloid Malignancy Variant Curation Expert Panel for RUNX1: PM2_supporting, BP4.

Ambry Genetics
Classification: Likely benign for Inborn genetic diseases. Last evaluated: 2024-12-31. Review status: criteria provided, single submitter. Criteria: Ambry Variant Classification Scheme 2023. Collection method: clinical testing. Allele origin: germline. Not counted in ClinVar's aggregate classification.

Fulgent Genetics
Classification: Uncertain significance for Hereditary thrombocytopenia and hematological cancer predisposition syndrome associated with RUNX1; Acute myeloid leukemia. Last evaluated: 2024-05-20. Review status: criteria provided, single submitter. Criteria: ACMG Guidelines, 2015. Collection method: clinical testing. Allele origin: germline. Not counted in ClinVar's aggregate classification.

GeneDx
Classification: Uncertain significance. Last evaluated: 2023-06-01. Review status: criteria provided, single submitter. Criteria: GeneDx Variant Classification Process June 2021. Collection method: clinical testing. Allele origin: germline. Affected: yes. Not counted in ClinVar's aggregate classification.
Comment: Not observed at significant frequency in large population cohorts (gnomAD); In silico analysis supports that this variant does not alter splicing; Has not been previously published as pathogenic or benign to our knowledge

Labcorp Genetics (formerly Invitae), Labcorp
Classification: Likely benign for Hereditary thrombocytopenia and hematological cancer predisposition syndrome associated with RUNX1. Last evaluated: 2023-01-02. Review status: criteria provided, single submitter. Criteria: Invitae Variant Classification Sherloc (09022015). Collection method: clinical testing. Allele origin: germline. Not counted in ClinVar's aggregate classification.